The following is an entry in ClinVar:

ClinVar aggregate classification (germline): Pathogenic (1 of 4 stars; one submission).

Conditions:
Inherited MMR deficiency (Lynch syndrome).

Submission:

Genetics Laboratory, Great Ormond Street Hospital NHS Foundation Trust, North Thames Genomic Laboratory Hub
Classification: Pathogenic for Inherited MMR deficiency (Lynch syndrome). Last evaluated: 2026-08-19. Review status: criteria provided, single submitter. Criteria: CanVIG MMR Gene Specific V1.7. Collection method: clinical testing. Allele origin: germline. Affected: yes.
Comment: PM2_supporting, PVS1_very-strong, PM5_supporting, PP4_supporting

NM_000179.3(MSH6):c.3439-2A>C

Gene: MSH6 (mutS homolog 6; plus strand). Cytogenetic location: 2p16.3.
Variant type: single nucleotide variant.
Coding change: c.3439-2A>C on transcript NM_000179.3 (MANE Select); the canonical splice acceptor site of the intron before coding-DNA position 3439, A replaced by C.
Molecular consequence: splice acceptor variant.
Genome position (GRCh38, 1-based): chr2:47,804,908, A>C. VCF-style: chr2-47804908-A-C. GRCh37 (hg19) VCF-style: chr2-48032047-A-C.
Other names: c.3439-2A>C (NM_001406809.1, NM_001406796.1, NM_001406808.1 and 1 more transcripts); c.2533-2A>C (NM_001406811.1, NM_001406814.1, NM_001281493.2 and 6 more transcripts); c.3142-2A>C (NM_001406805.1, NM_001406797.1, NM_001406801.1 and 10 more transcripts); c.3535-2A>C (NM_001406795.1, NM_001406802.1); c.3445-2A>C (NM_001406813.1); c.2914-2A>C (NM_001406807.1, NM_001406799.1, NM_001406806.1); c.3265-2A>C (NM_001406798.1); c.2575-2A>C (NM_001406803.1); and 7 more.
Identifiers: ClinVar variation 5021094 (VCV005021094.1).